The following is an entry in ClinVar:

ClinVar aggregate classification (germline): Pathogenic. Review status: criteria provided, multiple submitters, no conflicts (2 of 4 stars). 2 submissions from 2 submitters: Pathogenic (2). Last evaluated 2025-09-28.

Conditions:
Inborn genetic diseases. Identifiers: MedGen C0950123, MeSH D030342.

Allele frequency attached by ClinVar (database versions not stated): gnomAD exomes below 0.00001.

Submissions (2):

Labcorp Genetics (formerly Invitae), Labcorp
Classification: Pathogenic. Last evaluated: 2025-09-28. Review status: criteria provided, single submitter. Criteria: Invitae Variant Classification Sherloc (09022015). Collection method: clinical testing. Allele origin: germline.
Comment: This sequence change creates a premature translational stop signal (p.Leu124Argfs*48) in the COL27A1 gene. It is expected to result in an absent or disrupted protein product. Loss-of-function variants in COL27A1 are known to be pathogenic (PMID: 24986830, 28276056). This variant is present in population databases (no rsID available, gnomAD 0.0009%). This variant has not been reported in the literature in individuals affected with COL27A1-related conditions. ClinVar contains an entry for this variant (Variation ID: 520547). For these reasons, this variant has been classified as Pathogenic.

Ambry Genetics
Classification: Pathogenic for Inborn genetic diseases. Last evaluated: 2016-11-28. Review status: criteria provided, single submitter. Criteria: Ambry exome assertion method (8-5-2015). Collection method: clinical testing. Allele origin: germline. Affected: yes. Observed: 1 variant allele.

Literature cited by the submitters: PubMed 24986830 (cited by Labcorp Genetics (formerly Invitae), Labcorp); PubMed 28276056 (cited by Labcorp Genetics (formerly Invitae), Labcorp).

NM_032888.4(COL27A1):c.371del (p.Leu124fs)

Gene: COL27A1 (collagen type XXVII alpha 1 chain; plus strand). Cytogenetic location: 9q32.
Variant type: Deletion.
Coding change: c.371del on transcript NM_032888.4 (MANE Select); coding-DNA position 371, one base deleted (T; older notation c.371delT).
Protein change: p.Leu124fs; shifts the reading frame from leucine 124.
Molecular consequence: frameshift variant.
Genome position (GRCh38, 1-based): chr9:114,167,926, T deleted. VCF-style (leftmost placement, unchanged base first): chr9-114167925-CT-C. GRCh37 (hg19) VCF-style: chr9-116930205-CT-C.
Other names: short protein forms L124fs.
Identifiers: ClinVar variation 520547 (VCV000520547.5), dbSNP rs1554787366, ClinGen allele CA590500085.